The following is an entry in ClinVar:

NM_033100.4(CDHR1):c.2229G>A (p.Arg743=)

Gene: CDHR1 (cadherin related family member 1; plus strand). Cytogenetic location: 10q23.1.
Variant type: single nucleotide variant.
Coding change: c.2229G>A on transcript NM_033100.4 (MANE Select); coding-DNA position 2229, G replaced by A.
Protein change: p.Arg743=; no amino-acid change (arginine 743 retained).
Molecular consequence: synonymous variant. On other transcripts: intron variant (1).
Genome position (GRCh38, 1-based): chr10:84,214,270, G>A. VCF-style: chr10-84214270-G-A. GRCh37 (hg19) VCF-style: chr10-85974026-G-A.
Other names: c.2040+922G>A (NM_001171971.3).
Identifiers: ClinVar variation 286108 (VCV000286108.46), dbSNP rs150969538, ClinGen allele CA5580180.

ClinVar aggregate classification (germline): Conflicting classifications of pathogenicity. Review status: criteria provided, conflicting classifications (1 of 4 stars). 6 submissions from 6 submitters: Uncertain significance (2); Benign (2); Likely benign (2). Last evaluated 2026-09-01.

Conditions:
CDHR1-related disorder. Also called: CDHR1-related condition.
Cone-rod dystrophy 15 (CORD15). Identifiers: MedGen C3150912, MONDO:0013348, OMIM 613660.

Allele frequency attached by ClinVar (database versions not stated): TOPMed 0.00030; 1000 Genomes Project 30x 0.00031; 1000 Genomes Project 0.00040; ESP Exome Variant Server 0.00046; gnomAD exomes 0.00061 and 0.00120; gnomAD 0.00101 and 0.00106; ExAC 0.00142.
gnomAD v4.1: 1,048 of 1,613,576 alleles (0.065%); highest among the groups gnomAD compares: Non-Finnish European, 0.049%; 2 homozygotes.

Submissions (6):

CeGaT Center for Human Genetics Tuebingen
Classification: Likely benign. Last evaluated: 2026-09-01. Review status: criteria provided, single submitter. Criteria: CeGaT Center For Human Genetics Tuebingen Variant Classification Criteria Version 2. Collection method: clinical testing. Allele origin: germline. Affected: yes. Observed: 3 variant alleles.
Comment: CDHR1: BP4, BP7

Labcorp Genetics (formerly Invitae), Labcorp
Classification: Benign. Last evaluated: 2026-01-06. Review status: criteria provided, single submitter. Criteria: Invitae Variant Classification Sherloc (09022015). Collection method: clinical testing. Allele origin: germline.

Blueprint Genetics
Classification: Likely benign. Last evaluated: 2024-10-24. Review status: criteria provided, single submitter. Criteria: ACMG Guidelines, 2015. Collection method: clinical testing. Allele origin: germline.

PreventionGenetics, part of Exact Sciences
Classification: Benign for CDHR1-related condition. Last evaluated: 2024-10-04. Review status: criteria provided, single submitter. Criteria: ACMG Guidelines, 2015. Collection method: clinical testing. Allele origin: germline.
Comment: This variant is classified as benign based on ACMG/AMP sequence variant interpretation guidelines (Richards et al. 2015 PMID: 25741868, with internal and published modifications).

Illumina Laboratory Services, Illumina
Classification: Uncertain significance for Cone-rod dystrophy 15. Last evaluated: 2018-01-13. Review status: criteria provided, single submitter. Criteria: ICSL Variant Classification Criteria 13 December 2019. Collection method: clinical testing. Allele origin: germline.

Eurofins Ntd Llc (ga)
Classification: Uncertain significance. Last evaluated: 2016-02-05. Review status: criteria provided, single submitter. Criteria: EGL Classification Definitions 2015. Collection method: clinical testing. Allele origin: germline. Observed: 1 variant allele, 1 heterozygote.